The following is an entry in ClinVar:

NM_004183.4(BEST1):c.1470_1471del (p.His490fs)

Gene: BEST1 (bestrophin 1; plus strand). Cytogenetic location: 11q12.3.
Variant type: Microsatellite.
Coding change: c.1470_1471del on transcript NM_004183.4 (MANE Select); coding-DNA positions 1470 to 1471, 2 bases deleted (CA; older notation c.1470_1471delCA).
Protein change: p.His490fs; shifts the reading frame from histidine 490.
Molecular consequence: frameshift variant. On other transcripts: non-coding transcript variant (1).
Genome position (GRCh38, 1-based): chr11:61,962,624-61,962,625, CA deleted; deleting any 2 consecutive bases within chr11:61,962,622-61,962,625 gives the same sequence; the c. name uses the placement nearest the transcript's 3' end. VCF-style (leftmost placement, unchanged base first): chr11-61962621-TCA-T. GRCh37 (hg19) VCF-style: chr11-61730093-TCA-T.
Other names: c.1288_1289CA[1], p.His430Glnfs (NM_001139443.3); c.1209_1210del, p.His403fs (NM_001300786.2); c.1290_1291del, p.His430fs (NM_001300787.2); c.1150_1151CA[1], p.His384Glnfs (NM_001363591.3); c.*363_*364CA[1] (NM_001363592.2); c.496_497CA[1], p.His166Glnfs (NM_001363593.3); c.1470_1471del (NM_004183.3); short protein forms H166fs, H384fs, H430fs, H403fs, H490fs.
Identifiers: ClinVar variation 2739 (VCV000002739.17), dbSNP rs281865528, ClinGen allele CA227725.

ClinVar aggregate classification (germline): Pathogenic. Review status: criteria provided, multiple submitters, no conflicts (2 of 4 stars). 7 submissions from 7 submitters: Pathogenic (5). 2 of the submissions do not count toward it. Last evaluated 2025-11-08.

Conditions:
BEST1-related disorder. Also called: BEST1-related condition; BEST1-related disorders. Identifiers: MedGen CN239200.
Autosomal recessive bestrophinopathy. Also called: Autosomal Recessive Bestrophinopathy (ARB). Identifiers: Orphanet 139455, MedGen C3888198, MONDO:0012733, OMIM 611809.
Vitelliform macular dystrophy 2. Also called: Best Vitelliform Macular Dystrophy (BVMD); VITELLIFORM MACULAR DYSTROPHY, EARLY-ONSET; VITELLIFORM MACULAR DYSTROPHY, JUVENILE-ONSET; Best vitelliform macular dystrophy, multifocal; MACULAR DEGENERATION, POLYMORPHIC VITELLINE; Best Macular Dystrophy. Identifiers: Orphanet 1243, MedGen C2745945, MONDO:0007931, OMIM 153700.

Submissions (7):

Labcorp Genetics (formerly Invitae), Labcorp
Classification: Pathogenic. Last evaluated: 2025-11-08. Review status: criteria provided, single submitter. Criteria: Invitae Variant Classification Sherloc (09022015). Collection method: clinical testing. Allele origin: germline.
Comment: This sequence change creates a premature translational stop signal (p.His490Glnfs*24) in the BEST1 gene. It is expected to result in an absent or disrupted protein product. Loss-of-function variants in BEST1 are known to be pathogenic (PMID: 21825197). This variant is present in population databases (rs764984804, gnomAD 0.007%). This premature translational stop signal has been observed in individual(s) with autosomal recessive BEST1-related disease (PMID: 21203346, 21273940). This variant has been reported in individual(s) with autosomal dominant BEST1-related disease (PMID: 10331951; internal data); however, the role of the variant in this condition is currently unclear. This variant is also known as 1574delCA and His490del2CTTCA. ClinVar contains an entry for this variant (Variation ID: 2739). For these reasons, this variant has been classified as Pathogenic.

PreventionGenetics, part of Exact Sciences
Classification: Pathogenic for BEST1-related condition. Last evaluated: 2025-09-03. Review status: criteria provided, single submitter. Criteria: ACMG Guidelines, 2015. Collection method: clinical testing. Allele origin: germline.
Comment: The BEST1 c.1470_1471delCA variant is predicted to result in a frameshift and premature protein termination (p.His490Glnfs*24). This variant has been reported predominantly in cases of autosomal recessive forms of BEST1-related retinal disease (Kinnick et al. 2011. PubMed ID: 21273940; Subject 2, Davidson et al. 2010. PubMed ID: 21203346; supplementary data, Lin et al. 2024. PubMed ID: 38219857). This variant was also described in the heterozygous state in individual with suspected retinal disease (referred to as 1574delCA in Family I, Caldwell et al. 1999. PubMed ID: 10331951). In a functional study, this variant did not impact proper localization of the protein to the plasma membrane (Johnson et al. 2015. PubMed ID: 24560797). This variant is reported in 0.012% of alleles in individuals of African descent in gnomAD. Frameshift variants in BEST1 are expected to be pathogenic. This variant is interpreted as pathogenic for autosomal recessive disease.

3billion
Classification: Pathogenic for Autosomal recessive bestrophinopathy. Last evaluated: 2023-02-23. Review status: criteria provided, single submitter. Criteria: ACMG Guidelines, 2015. Collection method: clinical testing. Allele origin: unknown. Affected: yes.
Comment: The variant is observed at an extremely low frequency in the gnomAD v2.1.1 dataset (total allele frequency: 0.002%). This homozygous variant was predicted to result in a loss or disruption of normal protein function through nonsense-mediated decay (NMD) or protein truncation. Multiple pathogenic variants are reported downstream of the variant. The variant has been reported at least twice as pathogenic with clinical assertions and evidence for the classification (ClinVar ID: VCV000002739 / PMID: 10331951). Therefore, this variant is classified as Pathogenic according to the recommendation of ACMG/AMP guideline.

GeneDx
Classification: Pathogenic. Last evaluated: 2022-07-20. Review status: criteria provided, single submitter. Criteria: GeneDx Variant Classification Process June 2021. Collection method: clinical testing. Allele origin: germline. Affected: yes.
Comment: Frameshift variant predicted to result in protein truncation or nonsense mediated decay in a gene for which loss-of-function is a known mechanism of disease; This variant is associated with the following publications: (PMID: 24560797, 27071392, 21273940, 21203346, 10331951)

Blueprint Genetics
Classification: Pathogenic for BEST1-related disorders. Last evaluated: 2022-04-27. Review status: criteria provided, single submitter. Criteria: ACMG Guidelines, 2015. Collection method: clinical testing. Allele origin: germline. Affected: yes. Observed: 4 variant alleles.

OMIM
Classification: Pathogenic for MACULAR DYSTROPHY, VITELLIFORM, 2. Last evaluated: 1999-05-15. Review status: no assertion criteria provided. Collection method: literature only. Allele origin: germline. Not counted in ClinVar's aggregate classification.

Retina International
No classification provided. Review status: no classification provided. Collection method: not provided. Allele origin: not provided. Not counted in ClinVar's aggregate classification.

Literature cited by the submitters: PubMed 21825197 (cited by Labcorp Genetics (formerly Invitae), Labcorp); PubMed 21203346 (cited by Labcorp Genetics (formerly Invitae), Labcorp); PubMed 21273940 (cited by Labcorp Genetics (formerly Invitae), Labcorp); PubMed 10331951 (cited by 3 submitters).